The following is an entry in ClinVar:

ClinVar aggregate classification (germline): Uncertain significance (1 of 4 stars; one submission).

Allele frequency attached by ClinVar (database versions not stated): gnomAD exomes below 0.00001 and 0.00001.
gnomAD v4.1: 7 of 1,614,040 alleles (0.00043%); highest among the groups gnomAD compares: Non-Finnish European, 0.00059%; no homozygotes.

Submission:

Labcorp Genetics (formerly Invitae), Labcorp
Classification: Uncertain significance. Last evaluated: 2021-02-03. Review status: criteria provided, single submitter. Criteria: Invitae Variant Classification Sherloc (09022015). Collection method: clinical testing. Allele origin: germline.
Comment: This sequence change replaces lysine with arginine at codon 223 of the C1QA protein (p.Lys223Arg). The lysine residue is moderately conserved and there is a small physicochemical difference between lysine and arginine. In summary, the available evidence is currently insufficient to determine the role of this variant in disease. Therefore, it has been classified as a Variant of Uncertain Significance. This variant is not present in population databases (ExAC no frequency). Algorithms developed to predict the effect of missense changes on protein structure and function output the following: SIFT: "Tolerated"; PolyPhen-2: "Benign"; Align-GVGD: "Class C0". The arginine amino acid residue is found in multiple mammalian species, suggesting that this missense change does not adversely affect protein function. These predictions have not been confirmed by published functional studies and their clinical significance is uncertain. This variant has not been reported in the literature in individuals with C1QA-related conditions.

NM_015991.4(C1QA):c.668A>G (p.Lys223Arg)

Gene: C1QA (complement C1q A chain; plus strand). Cytogenetic location: 1p36.12.
Variant type: single nucleotide variant.
Coding change: c.668A>G on transcript NM_015991.4 (MANE Select); coding-DNA position 668, A replaced by G.
Protein change: p.Lys223Arg; replaces lysine 223 with arginine.
Molecular consequence: missense variant.
Genome position (GRCh38, 1-based): chr1:22,639,337, A>G. VCF-style: chr1-22639337-A-G. GRCh37 (hg19) VCF-style: chr1-22965830-A-G.
Other names: c.668A>G, p.Lys223Arg (NM_001347465.2, NM_001347466.2); short protein forms K223R.
Identifiers: ClinVar variation 1521419 (VCV001521419.8), dbSNP rs1159327810, ClinGen allele CA338930987.
Genomic context (GRCh38, chr1:22,639,337, plus strand): 5'-GGGGCATGGTGCTTCAGCTGCAGCAGGGTGACCAGGTCTGGGTTGAAAAAGACCCCAAAA[A>G]GGGTCACATTTACCAGGGCTCTGAGGCCGACAGCGTCTTCAGCGGCTTCCTCATCTTCCC-3'
Protein context (NP_057075.1, residues 213-233): DQVWVEKDPK[Lys223Arg]GHIYQGSEAD